The following is an entry in ClinVar:

ClinVar aggregate classification (germline): Likely benign. Review status: criteria provided, multiple submitters, no conflicts (2 of 4 stars). 4 submissions from 4 submitters: Likely benign (4). Last evaluated 2025-07-29.

Conditions:
Cardiovascular phenotype. Identifiers: MedGen CN230736.
Cardiomyopathy (CMYO). Also called: Cardiomyopathies. Identifiers: Orphanet 167848, MedGen C0878544, MONDO:0004994, HP:0001638. Inheritance: Various modes of inheritance.
Hypertrophic cardiomyopathy. Also called: HYPERTROPHIC MYOCARDIOPATHY. Identifiers: Orphanet 217569, MedGen C0007194, MeSH D002312, MONDO:0005045, HP:0001639.

Allele frequency attached by ClinVar (database versions not stated): gnomAD exomes 0.00001; TOPMed 0.00002.
gnomAD v4.1: 3 of 1,614,244 alleles (0.00019%); highest among the groups gnomAD compares: Non-Finnish European, 0.00025%; no homozygotes.

Submissions (4):

Labcorp Genetics (formerly Invitae), Labcorp
Classification: Likely benign for Hypertrophic cardiomyopathy. Last evaluated: 2025-07-29. Review status: criteria provided, single submitter. Criteria: Invitae Variant Classification Sherloc (09022015). Collection method: clinical testing. Allele origin: germline.

All of Us Research Program, National Institutes of Health
Classification: Likely benign for Cardiomyopathy. Last evaluated: 2023-12-01. Review status: criteria provided, single submitter. Criteria: ACMG Guidelines, 2015. Collection method: clinical testing. Allele origin: germline. Inheritance: Autosomal dominant inheritance. Observed: 3 variant alleles, 3 heterozygotes.
Comment: This study involves interpretation of variants in research participants for the purpose of population health screening. Participant phenotype was not available at the time of variant classification. Additional details can be found in publication PMID: 35346344, PMCID: PMC8962531

Ambry Genetics
Classification: Likely benign for Cardiovascular phenotype. Last evaluated: 2023-08-23. Review status: criteria provided, single submitter. Criteria: Ambry Variant Classification Scheme 2023. Collection method: clinical testing. Allele origin: germline.

Color Diagnostics, LLC DBA Color Health
Classification: Likely benign for Cardiomyopathy. Last evaluated: 2020-01-21. Review status: criteria provided, single submitter. Criteria: ACMG Guidelines, 2015. Collection method: clinical testing. Allele origin: germline.

NM_000257.4(MYH7):c.2805G>A (p.Glu935=)

Gene: MYH7 (myosin heavy chain 7; minus strand). Cytogenetic location: 14q11.2.
Variant type: single nucleotide variant.
Coding change: c.2805G>A on transcript NM_000257.4 (MANE Select); coding-DNA position 2805, G replaced by A.
Protein change: p.Glu935=; no amino-acid change (glutamic acid 935 retained).
Molecular consequence: synonymous variant.
Genome position (GRCh38, 1-based): chr14:23,424,024, C>T on the plus strand (G>A on the coding strand, the complement: MYH7 is on the minus strand). VCF-style: chr14-23424024-C-T. GRCh37 (hg19) VCF-style: chr14-23893233-C-T.
Identifiers: ClinVar variation 926180 (VCV000926180.13), dbSNP rs201032556, ClinGen allele CA257818917.